The following is an entry in ClinVar:

ClinVar aggregate classification (germline): Uncertain significance (1 of 4 stars; one submission).

gnomAD v4.1: 8 of 1,613,898 alleles (0.0005%); highest among the groups gnomAD compares: Non-Finnish European, 0.00068%; no homozygotes.

Submission:

Labcorp Genetics (formerly Invitae), Labcorp
Classification: Uncertain significance. Last evaluated: 2026-01-19. Review status: criteria provided, single submitter. Criteria: Invitae Variant Classification Sherloc (09022015). Collection method: clinical testing. Allele origin: germline.
Comment: This sequence change replaces methionine, which is neutral and non-polar, with valine, which is neutral and non-polar, at codon 438 of the ASXL2 protein (p.Met438Val). This variant is present in population databases (rs761937994, gnomAD 0.0009%). This variant has not been reported in the literature in individuals affected with ASXL2-related conditions. Invitae Evidence Modeling of protein sequence and biophysical properties (such as structural, functional, and spatial information, amino acid conservation, physicochemical variation, residue mobility, and thermodynamic stability) indicates that this missense variant is not expected to disrupt ASXL2 protein function with a negative predictive value of 80%. In summary, the available evidence is currently insufficient to determine the role of this variant in disease. Therefore, it has been classified as a Variant of Uncertain Significance.

NM_018263.6(ASXL2):c.1312A>G (p.Met438Val)

Gene: ASXL2 (ASXL transcriptional regulator 2; minus strand). Cytogenetic location: 2p23.3.
Variant type: single nucleotide variant.
Coding change: c.1312A>G on transcript NM_018263.6 (MANE Select); coding-DNA position 1312, A replaced by G.
Protein change: p.Met438Val; replaces methionine 438 with valine.
Molecular consequence: missense variant.
Genome position (GRCh38, 1-based): chr2:25,750,244, T>C on the plus strand (A>G on the coding strand, the complement: ASXL2 is on the minus strand). VCF-style: chr2-25750244-T-C. GRCh37 (hg19) VCF-style: chr2-25973113-T-C.
Other names: c.1138A>G, p.Met380Val (NM_001369346.1); c.532A>G, p.Met178Val (NM_001369347.1); short protein forms M178V, M380V, M438V.
Identifiers: ClinVar variation 4694408 (VCV004694408.1).